The following is an entry in ClinVar:

ClinVar aggregate classification (germline): Pathogenic. Review status: criteria provided, multiple submitters, no conflicts (2 of 4 stars). 2 submissions from 2 submitters: Pathogenic (2). Last evaluated 2023-07-20.

Conditions:
Inborn genetic diseases. Identifiers: MedGen C0950123, MeSH D030342.
Developmental and epileptic encephalopathy, 11 (DEE11). Also called: Early infantile epileptic encephalopathy 11. Identifiers: Orphanet 1934, MedGen C3150987, MONDO:0013388, OMIM 613721.

Submissions (2):

Genetics Laboratory, UDIAT-Centre Diagnòstic, Hospital Universitari Parc Tauli
Classification: Pathogenic for developmental and epileptic encephalopathy, 11. Last evaluated: 2023-07-20. Review status: criteria provided, single submitter. Criteria: ACMG Guidelines, 2015. Collection method: clinical testing. Allele origin: unknown. Inheritance: Autosomal dominant inheritance. Affected: yes.
Comment: PVS1_very strong;PM2_supporting;PM6_moderate

Ambry Genetics
Classification: Pathogenic for Inborn genetic diseases. Last evaluated: 2017-10-13. Review status: criteria provided, single submitter. Criteria: Ambry exome assertion method (8-5-2015). Collection method: clinical testing. Allele origin: germline. Affected: yes. Observed: 1 variant allele.

NM_001040142.2(SCN2A):c.2356C>T (p.Gln786Ter)

Gene: SCN2A (sodium voltage-gated channel alpha subunit 2; plus strand). Cytogenetic location: 2q24.3.
Variant type: single nucleotide variant.
Coding change: c.2356C>T on transcript NM_001040142.2 (MANE Select); coding-DNA position 2356, C replaced by T.
Protein change: p.Gln786Ter; replaces glutamine 786 with a stop codon.
Molecular consequence: nonsense.
Genome position (GRCh38, 1-based): chr2:165,331,536, C>T. VCF-style: chr2-165331536-C-T. GRCh37 (hg19) VCF-style: chr2-166188046-C-T.
Other names: c.2356C>T, p.Gln786Ter (NM_001040143.2, NM_001371246.1, NM_001371247.1 and 1 more transcripts); short protein forms Q786*.
Identifiers: ClinVar variation 522022 (VCV000522022.5), dbSNP rs1553574733, ClinGen allele CA349031568.